The following is an entry in ClinVar:

ClinVar aggregate classification (germline): Uncertain significance. Review status: criteria provided, multiple submitters, no conflicts (2 of 4 stars). 3 submissions from 3 submitters: Uncertain significance (3). Last evaluated 2025-07-24.

Conditions:
CRYBB3-related disorder. Also called: CRYBB3-related condition.
Cataract 22 multiple types. Also called: Cataract 22; CATARACT 22, NUCLEAR, AUTOSOMAL RECESSIVE; CATARACT 22, MULTIPLE TYPES, AUTOSOMAL DOMINANT. Identifiers: Orphanet 91492, MedGen C1857853, MONDO:0012336, OMIM 609741.
Inborn genetic diseases. Identifiers: MedGen C0950123, MeSH D030342.

Allele frequency attached by ClinVar (database versions not stated): gnomAD 0.00001; TOPMed 0.00003; gnomAD exomes 0.00007; ESP Exome Variant Server 0.00008.

Submissions (3):

PreventionGenetics, part of Exact Sciences
Classification: Uncertain significance for CRYBB3-related condition. Last evaluated: 2025-07-24. Review status: criteria provided, single submitter. Criteria: ACMG Guidelines, 2015. Collection method: clinical testing. Allele origin: germline.
Comment: The CRYBB3 c.454C>T variant is predicted to result in the amino acid substitution p.Arg152Cys. To our knowledge, this variant has not been reported in the literature. This variant is reported in 0.012% of alleles in individuals of African descent in gnomAD. At this time, the clinical significance of this variant is uncertain due to the absence of conclusive functional and genetic evidence.

Ambry Genetics
Classification: Uncertain significance for Inborn genetic diseases. Last evaluated: 2022-12-06. Review status: criteria provided, single submitter. Criteria: Ambry Variant Classification Scheme 2023. Collection method: clinical testing. Allele origin: germline.

Illumina Laboratory Services, Illumina
Classification: Uncertain significance for Cataract 22 multiple types. Last evaluated: 2018-03-23. Review status: criteria provided, single submitter. Criteria: ICSL Variant Classification Criteria 13 December 2019. Collection method: clinical testing. Allele origin: germline.

NM_004076.5(CRYBB3):c.454C>T (p.Arg152Cys)

Gene: CRYBB3 (crystallin beta B3; plus strand). Cytogenetic location: 22q11.23.
Variant type: single nucleotide variant.
Coding change: c.454C>T on transcript NM_004076.5 (MANE Select); coding-DNA position 454, C replaced by T.
Protein change: p.Arg152Cys; replaces arginine 152 with cysteine.
Molecular consequence: missense variant.
Genome position (GRCh38, 1-based): chr22:25,205,346, C>T. VCF-style: chr22-25205346-C-T. GRCh37 (hg19) VCF-style: chr22-25601313-C-T.
Other names: c.454C>T (NM_004076.3); short protein forms R152C.
Identifiers: ClinVar variation 899688 (VCV000899688.7), dbSNP rs375275387, ClinGen allele CA10157797.
Genomic context (GRCh38, chr22:25,205,346, plus strand): 5'-GTGGATGATGACGTGCCCAGCCTGTGGGCTCATGGCTTCCAGGACCGTGTGGCGAGTGTC[C>T]GTGCCATCAACGGGACGTAAGGGACCCAACCCTCACCCTTGCCCCATCTTCTGGTCAGCC-3'
Protein context (NP_004067.1, residues 142-162): HGFQDRVASV[Arg152Cys]AINGTWVGYE